The following is an entry in ClinVar:

ClinVar aggregate classification (germline): Uncertain significance. Review status: criteria provided, multiple submitters, no conflicts (2 of 4 stars). 3 submissions from 3 submitters: Uncertain significance (2). 1 of the submissions does not count toward it. Last evaluated 2022-10-13.

Conditions:
Multicentric carpo-tarsal osteolysis with or without nephropathy. Also called: Multicentric Carpotarsal Osteolysis with or without Nephropathy; MULTICENTRIC OSTEOLYSIS, AUTOSOMAL DOMINANT; Multicentric Osteolysis of Carpal Bones and Nephropathy; MULTICENTRIC CARPOTARSAL OSTEOLYSIS SYNDROME; Carnevale Canun Mendoza syndrome; OSTEOLYSIS, HEREDITARY, OF CARPAL BONES WITH OR WITHOUT NEPHROPATHY. Identifiers: Orphanet 2774, MedGen C2674705, MONDO:0008152, OMIM 166300.
Duane retraction syndrome 3 with or without deafness (DURS3). Also called: DUANE RETRACTION SYNDROME 3; Duane syndrome type 3. Identifiers: Orphanet 233, MedGen C4310752, MONDO:0014880, OMIM 617041.

Submissions (3):

Labcorp Genetics (formerly Invitae), Labcorp
Classification: Uncertain significance. Last evaluated: 2022-10-13. Review status: criteria provided, single submitter. Criteria: Invitae Variant Classification Sherloc (09022015). Collection method: clinical testing. Allele origin: germline.
Comment: This variant has not been reported in the literature in individuals affected with MAFB-related conditions. In summary, the available evidence is currently insufficient to determine the role of this variant in disease. Therefore, it has been classified as a Variant of Uncertain Significance. Advanced modeling of protein sequence and biophysical properties (such as structural, functional, and spatial information, amino acid conservation, physicochemical variation, residue mobility, and thermodynamic stability) performed at Invitae indicates that this missense variant is not expected to disrupt MAFB protein function. ClinVar contains an entry for this variant (Variation ID: 806002). This variant is not present in population databases (gnomAD no frequency). This sequence change replaces alanine, which is neutral and non-polar, with threonine, which is neutral and polar, at codon 176 of the MAFB protein (p.Ala176Thr).

Fulgent Genetics
Classification: Uncertain significance for Multicentric carpo-tarsal osteolysis with or without nephropathy; Duane retraction syndrome 3 with or without deafness. Last evaluated: 2021-08-02. Review status: criteria provided, single submitter. Criteria: ACMG Guidelines, 2015. Collection method: clinical testing. Allele origin: unknown.

Pediatric Oncology, Johns Hopkins University
Classification: Uncertain significance. Last evaluated: 2019-02-15. Review status: no assertion criteria provided. Collection method: clinical testing. Allele origin: somatic. Affected: no. Not counted in ClinVar's aggregate classification.

NM_005461.5(MAFB):c.526G>A (p.Ala176Thr)

Gene: MAFB (MAF bZIP transcription factor B; minus strand). Cytogenetic location: 20q12.
Variant type: single nucleotide variant.
Coding change: c.526G>A on transcript NM_005461.5 (MANE Select); coding-DNA position 526, G replaced by A.
Protein change: p.Ala176Thr; replaces alanine 176 with threonine.
Molecular consequence: missense variant.
Genome position (GRCh38, 1-based): chr20:40,688,325, C>T on the plus strand (G>A on the coding strand, the complement: MAFB is on the minus strand). VCF-style: chr20-40688325-C-T. GRCh37 (hg19) VCF-style: chr20-39316965-C-T.
Other names: short protein forms A176T.
Identifiers: ClinVar variation 806002 (VCV000806002.7), dbSNP rs750186410, ClinGen allele CA408940954.
Genomic context (GRCh38, chr20:40,688,325, plus strand): 5'-CCGTCGCGTGCGGCCCGGGCCCGGGGTGGCTAGTGGGCAGCTGTTGCGCCGGGCTAGCGG[C>T]GCTGGACGGCGGCGGCGACGCTTGGTGATGATGGTGATGGTGCGGGTGAGCGTGCGGGCC-3'
Protein context (NP_005452.2, residues 166-186): HHQASPPPSS[Ala176Thr]ASPAQQLPTS